The following is an entry in ClinVar:

ClinVar aggregate classification (germline): Benign. Review status: criteria provided, multiple submitters, no conflicts (2 of 4 stars). 3 submissions from 3 submitters: Benign (3). Last evaluated 2026-09-12.

Conditions:
RYR3-related disorder. Also called: RYR3-related condition.
Epileptic encephalopathy. Identifiers: MedGen C0543888, HP:0200134.

Allele frequency attached by ClinVar (database versions not stated): ESP Exome Variant Server 0.00041; TOPMed 0.00240; ExAC 0.00413; 1000 Genomes Project 30x 0.00765; 1000 Genomes Project 0.00938.
gnomAD v4.1: 2,510 of 1,607,916 alleles (0.16%); highest among the groups gnomAD compares: East Asian, 4.4%; 54 homozygotes.

Submissions (5):

PreventionGenetics, part of Exact Sciences
Classification: Benign for RYR3-related condition. Last evaluated: 2026-09-12. Review status: criteria provided, single submitter. Criteria: ACMG Guidelines, 2015. Collection method: clinical testing. Allele origin: germline.
Comment: This variant is classified as benign based on ACMG/AMP sequence variant interpretation guidelines (Richards et al. 2015 PMID: 25741868, with internal and published modifications).

Labcorp Genetics (formerly Invitae), Labcorp
Classification: Benign for Epileptic encephalopathy. Last evaluated: 2025-06-16. Review status: criteria provided, single submitter. Criteria: Invitae Variant Classification Sherloc (09022015). Collection method: clinical testing. Allele origin: germline.

Breakthrough Genomics
Classification: Benign. Review status: criteria provided, single submitter. Criteria: ACMG Guidelines, 2015. Collection method: not provided. Allele origin: germline. Inheritance: Unknown mechanism. Affected: yes.

Dr. Peter K. Rogan Lab, Western University
No classification provided (evidence only). Condition: Gastric cancer. Review status: no classification provided. Collection method: in vitro. Allele origin: not applicable. Functional consequence: retained intron. Not counted in ClinVar's aggregate classification.

Dr. Peter K. Rogan Lab, Western University
No classification provided (evidence only). Condition: Malignant tumor of esophagus. Review status: no classification provided. Collection method: in vitro. Allele origin: not applicable. Functional consequence: retained intron. Not counted in ClinVar's aggregate classification.

NM_001036.6(RYR3):c.280-7C>G

Gene: RYR3 (ryanodine receptor 3; plus strand). Cytogenetic location: 15q14.
Variant type: single nucleotide variant.
Coding change: c.280-7C>G on transcript NM_001036.6 (MANE Select); 7 bases into the intron before coding-DNA position 280, C replaced by G.
Molecular consequence: intron variant.
Genome position (GRCh38, 1-based): chr15:33,530,585, C>G. VCF-style: chr15-33530585-C-G. GRCh37 (hg19) VCF-style: chr15-33822786-C-G.
Other names: c.280-7C>G (NM_001243996.4).
Identifiers: ClinVar variation 461898 (VCV000461898.15), dbSNP rs2304386, ClinGen allele CA7457771.
Genomic context (GRCh38, chr15:33,530,585, plus strand): 5'-GTGTTGCTTGGCTCCCGGAGAAGCCACAACGGGCATGTGCTGACCTTATTCTTCCTCATT[C>G]CCACAGGCAGCACAAGGAGGTGGCCACAGGACCCTGTTATACGGCCATGCAGTTCTCCTG-3'